The following is an entry in ClinVar:

NM_001024630.4(RUNX2):c.-120T>C

Genes: SUPT3H (SPT3 homolog, SAGA and STAGA complex component; minus strand), RUNX2 (RUNX family transcription factor 2; plus strand), LOC109611593 (RUNX2 P1 promoter region; plus strand). Cytogenetic location: 6p21.1.
Variant type: single nucleotide variant.
Coding change: c.-120T>C on transcript NM_001024630.4 (MANE Select); 120 bases upstream of the start codon, T replaced by C.
Molecular consequence: 5 prime UTR variant. On other transcripts: non-coding transcript variant (2), intron variant (8).
Genome position (GRCh38, 1-based): chr6:45,328,407, T>C. VCF-style: chr6-45328407-T-C. GRCh37 (hg19) VCF-style: chr6-45296144-T-C.
Other names: c.-120T>C (NM_001015051.4); c.-73+36794A>G (NM_001350327.2); c.101+36794A>G (NM_001350325.2, NM_003599.4, NM_001350324.2 and 1 more transcripts); c.-265+36794A>G (NM_001261823.2); c.-51-5440A>G (NM_181356.3, NM_001350326.2).
Identifiers: ClinVar variation 357085 (VCV000357085.5), dbSNP rs535015975, ClinGen allele CA3836124.

ClinVar aggregate classification (germline): Benign (1 of 4 stars; one submission).

Conditions:
Cleidocranial dysostosis (CLCD1). Also called: cleidocranial dysplasia 1; Marie-Sainton disease; Cleidocranial Dysplasia Spectrum Disorder. Identifiers: Orphanet 1452, MedGen C0008928, MONDO:0007340, OMIM 119600.

Allele frequency attached by ClinVar (database versions not stated): gnomAD 0.00005 and 0.00010; gnomAD exomes 0.00007 and 0.00021; TOPMed 0.00019; ExAC 0.00027; 1000 Genomes Project 30x 0.00031; 1000 Genomes Project 0.00040.
gnomAD v4.1: 102 of 1,421,082 alleles (0.0072%); highest among the groups gnomAD compares: East Asian, 0.14%; 3 homozygotes.

Submission:

Illumina Laboratory Services, Illumina
Classification: Benign for Cleidocranial dysostosis. Last evaluated: 2018-01-13. Review status: criteria provided, single submitter. Criteria: ICSL Variant Classification Criteria 13 December 2019. Collection method: clinical testing. Allele origin: germline.
Comment: This variant was observed in the ICSL laboratory as part of a predisposition screen in an ostensibly healthy population. It had not been previously curated by ICSL or reported in the Human Gene Mutation Database (HGMD: prior to June 1st, 2018), and was therefore a candidate for classification through an automated scoring system. Utilizing variant allele frequency, disease prevalence and penetrance estimates, and inheritance mode, an automated score was calculated to assess if this variant is too frequent to cause the disease. Based on the score and internal cut-off values, a variant classified as benign is not then subjected to further curation. The score for this variant resulted in a classification of benign for this disease.